The following is an entry in ClinVar:

NM_006206.6(PDGFRA):c.2681C>T (p.Thr894Ile)

Gene: PDGFRA (platelet derived growth factor receptor alpha; plus strand). Cytogenetic location: 4q12.
Variant type: single nucleotide variant.
Coding change: c.2681C>T on transcript NM_006206.6 (MANE Select); coding-DNA position 2681, C replaced by T.
Protein change: p.Thr894Ile; replaces threonine 894 with isoleucine.
Molecular consequence: missense variant.
Genome position (GRCh38, 1-based): chr4:54,288,805, C>T. VCF-style: chr4-54288805-C-T. GRCh37 (hg19) VCF-style: chr4-55154972-C-T.
Other names: c.2756C>T, p.Thr919Ile (NM_001347828.2); c.2681C>T, p.Thr894Ile (NM_001347829.2); c.2720C>T, p.Thr907Ile (NM_001347830.2); short protein forms T907I, T894I, T919I.
Identifiers: ClinVar variation 3930212 (VCV003930212.1).

ClinVar aggregate classification (germline): Uncertain significance (1 of 4 stars; one submission).

Conditions:
Hereditary cancer-predisposing syndrome. Also called: Tumor predisposition; Hereditary neoplastic syndrome; Hereditary Cancer Syndrome; Neoplastic Syndromes, Hereditary. Identifiers: Orphanet 140162, MedGen C0027672, MeSH D009386, MONDO:0015356.

Submission:

Ambry Genetics
Classification: Uncertain significance for Hereditary cancer-predisposing syndrome. Last evaluated: 2025-05-05. Review status: criteria provided, single submitter. Criteria: Ambry Variant Classification Scheme 2023. Collection method: clinical testing. Allele origin: germline.
Comment: The p.T894I variant (also known as c.2681C>T), located in coding exon 19 of the PDGFRA gene, results from a C to T substitution at nucleotide position 2681. The threonine at codon 894 is replaced by isoleucine, an amino acid with similar properties. This amino acid position is conserved. In addition, the in silico prediction for this alteration is inconclusive. Based on the available evidence, the clinical significance of this variant remains unclear.